The following is an entry in ClinVar:

NM_144997.7(FLCN):c.995dup (p.Ser333fs)

Gene: FLCN (folliculin; minus strand). Cytogenetic location: 17p11.2.
Variant type: Duplication.
Coding change: c.995dup on transcript NM_144997.7 (MANE Select); coding-DNA position 995, one base duplicated (T; older notation c.995dupT).
Protein change: p.Ser333fs; shifts the reading frame from serine 333.
Molecular consequence: frameshift variant.
Genome position (GRCh38, 1-based): chr17:17,219,086, A duplicated on the plus strand (T on the coding strand, the reverse complement: FLCN is on the minus strand). VCF-style (leftmost placement, unchanged base first): chr17-17219085-G-GA. GRCh37 (hg19) VCF-style: chr17-17122399-G-GA.
Other names: c.1049dup, p.Ser351fs (NM_001353229.2); c.995dup, p.Ser333fs (NM_001353230.2, NM_001353231.2); short protein forms S333fs, S351fs.
Identifiers: ClinVar variation 1071737 (VCV001071737.5), dbSNP rs2144895051, ClinGen allele CA2499223917.

ClinVar aggregate classification (germline): Pathogenic (1 of 4 stars; one submission).

Conditions:
Birt-Hogg-Dube syndrome. Also called: Birt Hogg Dubé syndrome. Identifiers: Orphanet 122, MedGen C0346010, MONDO:0800444.

Submission:

Labcorp Genetics (formerly Invitae), Labcorp
Classification: Pathogenic for Birt-Hogg-Dube syndrome. Last evaluated: 2018-01-24. Review status: criteria provided, single submitter. Criteria: Invitae Variant Classification Sherloc (09022015). Collection method: clinical testing. Allele origin: germline.
Comment: Loss-of-function variants in FLCN are known to be pathogenic (PMID: 15852235). For these reasons, this variant has been classified as Pathogenic. This variant has not been reported in the literature in individuals with FLCN-related disease. This variant is not present in population databases (ExAC no frequency). This sequence change creates a premature translational stop signal (p.Ser333Leufs*57) in the FLCN gene. It is expected to result in an absent or disrupted protein product.

Literature cited by the submitters: PubMed 15852235.